The following is an entry in ClinVar:

NM_182961.4(SYNE1):c.12887A>T (p.Lys4296Ile)

Gene: SYNE1 (spectrin repeat containing nuclear envelope protein 1; minus strand). Cytogenetic location: 6q25.2.
Variant type: single nucleotide variant.
Coding change: c.12887A>T on transcript NM_182961.4 (MANE Select); coding-DNA position 12887, A replaced by T.
Protein change: p.Lys4296Ile; replaces lysine 4296 with isoleucine.
Molecular consequence: missense variant.
Genome position (GRCh38, 1-based): chr6:152,331,798, T>A on the plus strand (A>T on the coding strand, the complement: SYNE1 is on the minus strand). VCF-style: chr6-152331798-T-A. GRCh37 (hg19) VCF-style: chr6-152652933-T-A.
Other names: c.12674A>T, p.Lys4225Ile (NM_033071.5); short protein forms K4296I, K4225I.
Identifiers: ClinVar variation 2948383 (VCV002948383.3), dbSNP rs2485347122, ClinGen allele CA366104881.
Genomic context (GRCh38, chr6:152,331,798, plus strand): 5'-TCTTTGACTAACTCCTTGTCATCTAAATTCAGATGCTCTATCATTTTCTGCTTTTGATCT[T>A]TCAGATCTTCAATAGCATACTTTCTCTCCTGCAATGCCAATGCTAACTTTTTCAAAGCTT-3'
Protein context (NP_892006.3, residues 4286-4306): QERKYAIEDL[Lys4296Ile]DQKQKMIEHL

ClinVar aggregate classification (germline): Uncertain significance (1 of 4 stars; one submission).

Conditions:
Emery-Dreifuss muscular dystrophy 4, autosomal dominant (EDMD4). Also called: EMERY-DREIFUSS MUSCULAR DYSTROPHY 4 WITH VARIABLE FEATURES. Identifiers: Orphanet 261, MedGen C2751807, MONDO:0013071, OMIM 612998.
Autosomal recessive ataxia, Beauce type. Also called: Spinocerebellar ataxia, autosomal recessive 8; ATAXIA, RECESSIVE, OF BEAUCE; SYNE1-Related Autosomal Recessive Cerebellar Ataxia; SYNE1 Deficiency. Identifiers: Orphanet 88644, MedGen C1853116, MONDO:0012549, OMIM 610743.

Submission:

Labcorp Genetics (formerly Invitae), Labcorp
Classification: Uncertain significance for Emery-Dreifuss muscular dystrophy 4, autosomal dominant; Autosomal recessive ataxia, Beauce type. Last evaluated: 2023-07-19. Review status: criteria provided, single submitter. Criteria: Invitae Variant Classification Sherloc (09022015). Collection method: clinical testing. Allele origin: germline.
Comment: In summary, the available evidence is currently insufficient to determine the role of this variant in disease. Therefore, it has been classified as a Variant of Uncertain Significance. An algorithm developed to predict the effect of missense changes on protein structure and function (PolyPhen-2) suggests that this variant is likely to be disruptive. This variant has not been reported in the literature in individuals affected with SYNE1-related conditions. This variant is not present in population databases (gnomAD no frequency). This sequence change replaces lysine, which is basic and polar, with isoleucine, which is neutral and non-polar, at codon 4225 of the SYNE1 protein (p.Lys4225Ile).